The following is an entry in ClinVar:

ClinVar aggregate classification (germline): Uncertain significance (1 of 4 stars; one submission).

Conditions:
Joubert syndrome. Also called: CEREBELLOPARENCHYMAL DISORDER IV; JOUBERT-BOLTSHAUSER SYNDROME; Familial aplasia of the vermis. Identifiers: Orphanet 475, MedGen C5979921, MONDO:0018772.

Allele frequency attached by ClinVar (database versions not stated): gnomAD exomes below 0.00001.
gnomAD v4.1: 1 of 1,578,470 alleles (0.000063%); highest among the groups gnomAD compares: Non-Finnish European, 0.000086%; no homozygotes.

Submission:

Labcorp Genetics (formerly Invitae), Labcorp
Classification: Uncertain significance for Joubert syndrome. Last evaluated: 2022-03-20. Review status: criteria provided, single submitter. Criteria: Invitae Variant Classification Sherloc (09022015). Collection method: clinical testing. Allele origin: germline.
Comment: In summary, the available evidence is currently insufficient to determine the role of this variant in disease. Therefore, it has been classified as a Variant of Uncertain Significance. Advanced modeling of protein sequence and biophysical properties (such as structural, functional, and spatial information, amino acid conservation, physicochemical variation, residue mobility, and thermodynamic stability) performed at Invitae indicates that this missense variant is not expected to disrupt INPP5E protein function. This variant has not been reported in the literature in individuals affected with INPP5E-related conditions. This variant is not present in population databases (gnomAD no frequency). This sequence change replaces threonine, which is neutral and polar, with asparagine, which is neutral and polar, at codon 109 of the INPP5E protein (p.Thr109Asn).

NM_019892.6(INPP5E):c.326C>A (p.Thr109Asn)

Gene: INPP5E (inositol polyphosphate-5-phosphatase E; minus strand). Cytogenetic location: 9q34.3.
Variant type: single nucleotide variant.
Coding change: c.326C>A on transcript NM_019892.6 (MANE Select); coding-DNA position 326, C replaced by A.
Protein change: p.Thr109Asn; replaces threonine 109 with asparagine.
Molecular consequence: missense variant.
Genome position (GRCh38, 1-based): chr9:136,439,094, G>T on the plus strand (C>A on the coding strand, the complement: INPP5E is on the minus strand). VCF-style: chr9-136439094-G-T. GRCh37 (hg19) VCF-style: chr9-139333546-G-T.
Other names: c.326C>A, p.Thr109Asn (NM_001318502.2); short protein forms T109N.
Identifiers: ClinVar variation 2114984 (VCV002114984.4), dbSNP rs2131619286, ClinGen allele CA375569736.